The following is an entry in ClinVar:

ClinVar aggregate classification (germline): Pathogenic/Likely pathogenic. Review status: criteria provided, multiple submitters, no conflicts (2 of 4 stars). 5 submissions from 5 submitters: Pathogenic (3); Likely pathogenic (2). Last evaluated 2025-09-23.

Conditions:
Osteogenesis Imperfecta, Recessive.
Osteogenesis imperfecta type 8 (OI8). Identifiers: MedGen C1970458, MONDO:0012581, OMIM 610915.

gnomAD v4.1: 28 of 1,613,866 alleles (0.0017%); highest among the groups gnomAD compares: Non-Finnish European, 0.0022%; no homozygotes.

Submissions (5):

Labcorp Genetics (formerly Invitae), Labcorp
Classification: Pathogenic for Osteogenesis imperfecta type 8. Last evaluated: 2025-09-23. Review status: criteria provided, single submitter. Criteria: Invitae Variant Classification Sherloc (09022015). Collection method: clinical testing. Allele origin: germline.
Comment: This sequence change creates a premature translational stop signal (p.Arg681*) in the P3H1 gene. While this is not anticipated to result in nonsense mediated decay, it is expected to disrupt the last 56 amino acid(s) of the P3H1 protein. This variant is not present in population databases (gnomAD no frequency). This premature translational stop signal has been observed in individual(s) with osteogenesis imperfecta (PMID: 18566967, 29595812). ClinVar contains an entry for this variant (Variation ID: 632107). Algorithms developed to predict the effect of sequence changes on RNA splicing suggest that this variant may disrupt the consensus splice site. This variant disrupts the KDEL domain (p.Lys733-p.Leu736) of the P3H1 protein that is required for the cellular retention and activity of certain types of proteins (PMID: 3545499). For these reasons, this variant has been classified as Pathogenic.

Genome-Nilou Lab
Classification: Likely pathogenic for Osteogenesis imperfecta type 8. Last evaluated: 2023-04-11. Review status: criteria provided, single submitter. Criteria: ACMG Guidelines, 2015. Collection method: clinical testing. Allele origin: germline. Affected: no.

Fulgent Genetics
Classification: Pathogenic for Osteogenesis imperfecta type 8. Last evaluated: 2022-03-17. Review status: criteria provided, single submitter. Criteria: ACMG Guidelines, 2015. Collection method: clinical testing. Allele origin: unknown.

Illumina Laboratory Services, Illumina
Classification: Likely pathogenic for Osteogenesis Imperfecta, Recessive. Last evaluated: 2018-08-22. Review status: criteria provided, single submitter. Criteria: ICSL Variant Classification Criteria 09 May 2019. Collection method: clinical testing. Allele origin: germline.
Comment: The P3H1 c.2041C>T (p.Arg681Ter) is a stop-gained variant that is predicted to result in a premature termination of the protein. The p.Arg681Ter variant has been reported in two studies in which it is identified in a homozygous state in two individuals with osteogenesis imperfecta (Baldridge et al. 2008; Pepin et al. 2013). The p.Arg681Ter variant transcript was found to be expressed at 57% of wild type level with variant protein levels shown to be only 4% compared to wild type in patient fibroblasts (Baldridge et al. 2008). Control data were unavailable for this variant which is not found in the 1000 Genomes Project, Exome Sequencing Project, Exome Aggregation Consortium, or for Genome Aggregation Database. Based on the potential impact of stop-gained and the evidence in the literature, the p.Arg681Ter variant is classified as likely pathogenic for osteogenesis imperfecta. This variant was observed by ICSL as part of a predisposition screen in an ostensibly healthy population.

Juno Genomics, Hangzhou Juno Genomics, Inc
Classification: Pathogenic for Osteogenesis imperfecta type 8. Review status: criteria provided, single submitter. Criteria: ACMG Guidelines, 2015. Collection method: clinical testing. Allele origin: germline. Affected: yes.
Comment: Absent from controls (or at extremely low frequency if recessive) in Genome Aggregation Database, Exome Sequencing Project, 1000 Genomes Project, or Exome Aggregation Consortium.;Null variant in a gene where loss of function (LOF) is a known mechanism of disease.;For recessive disorders, detected in trans with a pathogenic variant.;Patient's phenotype or family history is highly specific for a disease with a single genetic etiology.

Literature cited by the submitters: PubMed 18566967 (cited by Labcorp Genetics (formerly Invitae), Labcorp and Illumina Laboratory Services, Illumina); PubMed 29595812 (cited by Labcorp Genetics (formerly Invitae), Labcorp); PubMed 3545499 (cited by Labcorp Genetics (formerly Invitae), Labcorp); PubMed 24498616 (cited by Illumina Laboratory Services, Illumina).

NM_022356.4(P3H1):c.2041C>T (p.Arg681Ter)

Gene: P3H1 (prolyl 3-hydroxylase 1; minus strand). Cytogenetic location: 1p34.2.
Variant type: single nucleotide variant.
Coding change: c.2041C>T on transcript NM_022356.4 (MANE Select); coding-DNA position 2041, C replaced by T.
Protein change: p.Arg681Ter; replaces arginine 681 with a stop codon.
Molecular consequence: nonsense.
Genome position (GRCh38, 1-based): chr1:42,747,286, G>A on the plus strand (C>T on the coding strand, the complement: P3H1 is on the minus strand). VCF-style: chr1-42747286-G-A. GRCh37 (hg19) VCF-style: chr1-43212957-G-A.
Other names: c.2041C>T, p.Arg681Ter (NM_001146289.2, NM_001243246.2); short protein forms R681*.
Identifiers: ClinVar variation 632107 (VCV000632107.11), dbSNP rs72659356, ClinGen allele CA21241339.